The following is an entry in ClinVar:

ClinVar aggregate classification (germline): Likely benign. Review status: criteria provided, multiple submitters, no conflicts (2 of 4 stars). 3 submissions from 3 submitters: Likely benign (3). Last evaluated 2026-01-10.

Conditions:
Cardiovascular phenotype. Identifiers: MedGen CN230736.
Alstrom syndrome (ALMS). Identifiers: Orphanet 64, MedGen C0268425, MONDO:0008763, OMIM 203800.

Allele frequency attached by ClinVar (database versions not stated): gnomAD 0.00003 and 0.00004; TOPMed 0.00008; ExAC 0.00012; gnomAD exomes 0.00017.
gnomAD v4.1: 52 of 1,613,850 alleles (0.0032%); highest among the groups gnomAD compares: Admixed American, 0.078%; no homozygotes.

Submissions (3):

Labcorp Genetics (formerly Invitae), Labcorp
Classification: Likely benign for Alstrom syndrome. Last evaluated: 2026-01-10. Review status: criteria provided, single submitter. Criteria: Invitae Variant Classification Sherloc (09022015). Collection method: clinical testing. Allele origin: germline.

Ambry Genetics
Classification: Likely benign for Cardiovascular phenotype. Last evaluated: 2020-08-09. Review status: criteria provided, single submitter. Criteria: Ambry Variant Classification Scheme 2023. Collection method: clinical testing. Allele origin: germline.

GeneDx
Classification: Likely benign. Last evaluated: 2017-09-19. Review status: criteria provided, single submitter. Criteria: GeneDx Variant Classification (06012015). Collection method: clinical testing. Allele origin: germline. Affected: yes.
Comment: This variant is considered likely benign or benign based on one or more of the following criteria: it is a conservative change, it occurs at a poorly conserved position in the protein, it is predicted to be benign by multiple in silico algorithms, and/or has population frequency not consistent with disease.

NM_001378454.1(ALMS1):c.7464A>G (p.Gln2488=)

Gene: ALMS1 (ALMS1 centrosome and basal body associated protein; plus strand). Cytogenetic location: 2p13.1.
Variant type: single nucleotide variant.
Coding change: c.7464A>G on transcript NM_001378454.1 (MANE Select); coding-DNA position 7464, A replaced by G.
Protein change: p.Gln2488=; no amino-acid change (glutamine 2488 retained).
Molecular consequence: synonymous variant.
Genome position (GRCh38, 1-based): chr2:73,453,991, A>G. VCF-style: chr2-73453991-A-G. GRCh37 (hg19) VCF-style: chr2-73681118-A-G.
Other names: c.7467A>G, p.Gln2489= (NM_015120.4).
Identifiers: ClinVar variation 512196 (VCV000512196.10), dbSNP rs765766155, ClinGen allele CA1714238.